The following is an entry in ClinVar:

NM_032444.4(SLX4):c.1405C>G (p.Pro469Ala)

Gene: SLX4 (SLX4 structure-specific endonuclease subunit; minus strand). Cytogenetic location: 16p13.3.
Variant type: single nucleotide variant.
Coding change: c.1405C>G on transcript NM_032444.4 (MANE Select); coding-DNA position 1405, C replaced by G.
Protein change: p.Pro469Ala; replaces proline 469 with alanine.
Molecular consequence: missense variant.
Genome position (GRCh38, 1-based): chr16:3,597,657, G>C on the plus strand (C>G on the coding strand, the complement: SLX4 is on the minus strand). VCF-style: chr16-3597657-G-C. GRCh37 (hg19) VCF-style: chr16-3647658-G-C.
Other names: c.1405C>G (LRG_503t1); short protein forms P469A.
Identifiers: ClinVar variation 216801 (VCV000216801.7), dbSNP rs763833617, ClinGen allele CA339453.

ClinVar aggregate classification (germline): Uncertain significance. Review status: criteria provided, multiple submitters, no conflicts (2 of 4 stars). 2 submissions from 2 submitters: Uncertain significance (2). Last evaluated 2023-03-14.

Conditions:
Fanconi anemia complementation group P. Also called: SLX4-Related Fanconi Anemia. Identifiers: Orphanet 84, MedGen C3469542, MONDO:0013499, OMIM 613951.
Fanconi anemia (FA). Also called: Fanconi's anemia. Identifiers: Orphanet 84, MedGen C0015625, MeSH D005199, MONDO:0019391.

Allele frequency attached by ClinVar (database versions not stated): gnomAD 0.00003; TOPMed 0.00008.
gnomAD v4.1: 33 of 1,613,898 alleles (0.002%); highest among the groups gnomAD compares: African/African-American, 0.0093%; no homozygotes.

Submissions (2):

Labcorp Genetics (formerly Invitae), Labcorp
Classification: Uncertain significance for Fanconi anemia. Last evaluated: 2023-03-14. Review status: criteria provided, single submitter. Criteria: Invitae Variant Classification Sherloc (09022015). Collection method: clinical testing. Allele origin: germline.
Comment: In summary, the available evidence is currently insufficient to determine the role of this variant in disease. Therefore, it has been classified as a Variant of Uncertain Significance. An algorithm developed to predict the effect of missense changes on protein structure and function (PolyPhen-2) suggests that this variant is likely to be disruptive. ClinVar contains an entry for this variant (Variation ID: 216801). This variant has not been reported in the literature in individuals affected with SLX4-related conditions. This variant is present in population databases (rs763833617, gnomAD 0.005%). This sequence change replaces proline, which is neutral and non-polar, with alanine, which is neutral and non-polar, at codon 469 of the SLX4 protein (p.Pro469Ala).

Fulgent Genetics
Classification: Uncertain significance for Fanconi anemia complementation group P. Last evaluated: 2022-05-12. Review status: criteria provided, single submitter. Criteria: ACMG Guidelines, 2015. Collection method: clinical testing. Allele origin: unknown.